The following is an entry in ClinVar:

NM_001003800.2(BICD2):c.2527C>T (p.Gln843Ter)

Gene: BICD2 (BICD cargo adaptor 2; minus strand). Cytogenetic location: 9q22.31.
Variant type: single nucleotide variant.
Coding change: c.2527C>T on transcript NM_001003800.2 (MANE Select); coding-DNA position 2527, C replaced by T.
Protein change: p.Gln843Ter; replaces glutamine 843 with a stop codon.
Molecular consequence: nonsense. On other transcripts: intron variant (1).
Genome position (GRCh38, 1-based): chr9:92,715,195, G>A on the plus strand (C>T on the coding strand, the complement: BICD2 is on the minus strand). VCF-style: chr9-92715195-G-A. GRCh37 (hg19) VCF-style: chr9-95477477-G-A.
Other names: c.2469+58C>T (NM_015250.4); short protein forms Q843*.
Identifiers: ClinVar variation 2995187 (VCV002995187.3), dbSNP rs763836233, ClinGen allele CA5126275.
Genomic context (GRCh38, chr9:92,715,195, plus strand): 5'-GTGCGGCGCCCCACAGCCCCTAATCACAGTAAATGCTGTGCTTCTCGCTGCAGAACACCT[G>A]GTTGGCCAGCCCGGTGCCCTCGGCCCTGTCGCTGGCACAGGCACAGGTGTGACTTACGCT-3'

ClinVar aggregate classification (germline): Uncertain significance (1 of 4 stars; one submission).

Conditions:
Autosomal dominant childhood-onset proximal spinal muscular atrophy with contractures (SMALED2A). Also called: Spinal muscular atrophy, lower extremity-predominant, 2A, autosomal dominant; SPINAL MUSCULAR ATROPHY, LOWER EXTREMITY-PREDOMINANT, 2A, CHILDHOOD ONSET, AUTOSOMAL DOMINANT. Identifiers: Orphanet 363447, Orphanet 363454, MedGen C4747715, MONDO:0014121, OMIM 615290.

Allele frequency attached by ClinVar (database versions not stated): TOPMed below 0.00001; ExAC 0.00001; gnomAD 0.00001.
gnomAD v4.1: 10 of 1,609,312 alleles (0.00062%); highest among the groups gnomAD compares: African/African-American, 0.004%; no homozygotes.

Submission:

Labcorp Genetics (formerly Invitae), Labcorp
Classification: Uncertain significance for Autosomal dominant childhood-onset proximal spinal muscular atrophy with contractures. Last evaluated: 2024-07-11. Review status: criteria provided, single submitter. Criteria: Invitae Variant Classification Sherloc (09022015). Collection method: clinical testing. Allele origin: germline.
Comment: This sequence change creates a premature translational stop signal (p.Gln843*) in the BICD2 gene. While this is not anticipated to result in nonsense mediated decay, it is expected to disrupt the last 13 amino acid(s) of the BICD2 protein. This variant is present in population databases (rs763836233, gnomAD 0.007%). This variant has not been reported in the literature in individuals affected with BICD2-related conditions. Experimental studies and prediction algorithms are not available or were not evaluated, and the functional significance of this variant is currently unknown. In summary, the available evidence is currently insufficient to determine the role of this variant in disease. Therefore, it has been classified as a Variant of Uncertain Significance.